The following is an entry in ClinVar:

ClinVar aggregate classification (germline): Uncertain significance. Review status: criteria provided, multiple submitters, no conflicts (2 of 4 stars). 2 submissions from 2 submitters: Uncertain significance (2). Last evaluated 2023-08-02.

Conditions:
Gorlin syndrome. Also called: Nevoid Basal Cell Carcinoma Syndrome; Basal cell nevus syndrome. Identifiers: Orphanet 377, MedGen C0004779, MONDO:0007187.

Allele frequency attached by ClinVar (database versions not stated): gnomAD exomes below 0.00001; TOPMed below 0.00001.
gnomAD v4.1: 4 of 1,614,118 alleles (0.00025%); highest among the groups gnomAD compares: East Asian, 0.0022%; no homozygotes.

Submissions (2):

Ambry Genetics
Classification: Uncertain significance. Last evaluated: 2023-08-02. Review status: criteria provided, single submitter. Criteria: Ambry Variant Classification Scheme 2023. Collection method: clinical testing. Allele origin: germline.

Labcorp Genetics (formerly Invitae), Labcorp
Classification: Uncertain significance for Gorlin syndrome. Last evaluated: 2023-05-25. Review status: criteria provided, single submitter. Criteria: Invitae Variant Classification Sherloc (09022015). Collection method: clinical testing. Allele origin: germline.
Comment: This variant is present in population databases (no rsID available, gnomAD 0.003%). This sequence change replaces proline, which is neutral and non-polar, with leucine, which is neutral and non-polar, at codon 773 of the PTCH2 protein (p.Pro773Leu). This variant has not been reported in the literature in individuals affected with PTCH2-related conditions. Advanced modeling of protein sequence and biophysical properties (such as structural, functional, and spatial information, amino acid conservation, physicochemical variation, residue mobility, and thermodynamic stability) performed at Invitae indicates that this missense variant is not expected to disrupt PTCH2 protein function. ClinVar contains an entry for this variant (Variation ID: 862505). In summary, the available evidence is currently insufficient to determine the role of this variant in disease. Therefore, it has been classified as a Variant of Uncertain Significance.

NM_003738.5(PTCH2):c.2318C>T (p.Pro773Leu)

Gene: PTCH2 (patched 2; minus strand). Cytogenetic location: 1p34.1.
Variant type: single nucleotide variant.
Coding change: c.2318C>T on transcript NM_003738.5 (MANE Select); coding-DNA position 2318, C replaced by T.
Protein change: p.Pro773Leu; replaces proline 773 with leucine.
Molecular consequence: missense variant.
Genome position (GRCh38, 1-based): chr1:44,827,455, G>A on the plus strand (C>T on the coding strand, the complement: PTCH2 is on the minus strand). VCF-style: chr1-44827455-G-A. GRCh37 (hg19) VCF-style: chr1-45293127-G-A.
Other names: c.2318C>T, p.Pro773Leu (NM_001166292.2); short protein forms P773L.
Identifiers: ClinVar variation 862505 (VCV000862505.16), dbSNP rs1404906503, ClinGen allele CA340096288.